The following is an entry in ClinVar:

NC_000008.10:g.(?_144295143)_(144297393_?)del

Gene: GPIHBP1 (glycosylphosphatidylinositol anchored high density lipoprotein binding protein 1; plus strand). Cytogenetic location: 8q24.3.
Variant type: Deletion.
Identifiers: ClinVar variation 2427568 (VCV002427568.4).

ClinVar aggregate classification (germline): Pathogenic (1 of 4 stars; one submission).

Submission:

Labcorp Genetics (formerly Invitae), Labcorp
Classification: Pathogenic. Last evaluated: 2022-08-31. Review status: criteria provided, single submitter. Criteria: Invitae Variant Classification Sherloc (09022015). Collection method: clinical testing. Allele origin: germline.
Comment: For these reasons, this variant has been classified as Pathogenic. A similar copy number variant has been observed in individuals with chylomicronemia (PMID: 22008945, 24793350). A gross deletion of the genomic region encompassing the full coding sequence of the GPIHBP1 gene has been identified. Loss-of-function variants in GPIHBP1 are known to be pathogenic (PMID: 21816778, 22008945). The boundaries of this event are unknown as they extend beyond the assayed region for this gene and therefore may encompass additional genes.

Literature cited by the submitters: PubMed 22008945; PubMed 24793350; PubMed 21816778.